The following is an entry in ClinVar:

NM_024409.4(NPPC):c.41C>T (p.Thr14Met)

Gene: NPPC (natriuretic peptide C; minus strand). Cytogenetic location: 2q37.1.
Variant type: single nucleotide variant.
Coding change: c.41C>T on transcript NM_024409.4 (MANE Select); coding-DNA position 41, C replaced by T.
Protein change: p.Thr14Met; replaces threonine 14 with methionine.
Molecular consequence: missense variant.
Genome position (GRCh38, 1-based): chr2:231,926,209, G>A on the plus strand (C>T on the coding strand, the complement: NPPC is on the minus strand). VCF-style: chr2-231926209-G-A. GRCh37 (hg19) VCF-style: chr2-232790919-G-A.
Other names: short protein forms T14M.
Identifiers: ClinVar variation 3636004 (VCV003636004.2).
Genomic context (GRCh38, chr2:231,926,209, plus strand): 5'-ACAGCACCCACCTTCGGCGGCGCCCCGGGCTTGGCTTCGGAGGGCCGGAGGGAGAGCAGC[G>A]TGAGCAGCAGGGCGCAGGCCAGCAGCTGGGAGAGATGCATGGTGCCGCTGGGGTCGAGGG-3'
Protein context (NP_077720.1, residues 4-24): SQLLACALLL[Thr14Met]LLSLRPSEAK

ClinVar aggregate classification (germline): Uncertain significance (1 of 4 stars; one submission).

gnomAD v4.1: 4 of 1,332,430 alleles (0.0003%); highest among the groups gnomAD compares: Non-Finnish European, 0.000096%; no homozygotes.

Submission:

Labcorp Genetics (formerly Invitae), Labcorp
Classification: Uncertain significance. Last evaluated: 2024-08-23. Review status: criteria provided, single submitter. Criteria: Invitae Variant Classification Sherloc (09022015). Collection method: clinical testing. Allele origin: germline.
Comment: This sequence change replaces threonine, which is neutral and polar, with methionine, which is neutral and non-polar, at codon 14 of the NPPC protein (p.Thr14Met). This variant is not present in population databases (gnomAD no frequency). This variant has not been reported in the literature in individuals affected with NPPC-related conditions. An algorithm developed to predict the effect of missense changes on protein structure and function outputs the following: PolyPhen-2: "Not Available". The methionine amino acid residue is found in multiple mammalian species, which suggests that this missense change does not adversely affect protein function. In summary, the available evidence is currently insufficient to determine the role of this variant in disease. Therefore, it has been classified as a Variant of Uncertain Significance.